The following is an entry in ClinVar:

ClinVar aggregate classification (germline): Pathogenic (1 of 4 stars; one submission).

Submission:

ISCA site 17
Classification: Pathogenic. Last evaluated: 2011-08-12. Review status: criteria provided, single submitter. Criteria: Kaminsky et al. (Genet Med. 2011). Collection method: clinical testing. Allele origin: unknown. Affected: yes. Observed: 1 variant allele.
Comment: Copy number variation identified through the course of routine clinical cytogenomic testing in postnatal populations. Clinical assertions have been curated as described in Kaminsky et al. 2011.

GRCh38/hg38 17p12-11.2(chr17:15234685-20620700)x3

Genes: LRRC75A (leucine rich repeat containing 75A; minus strand), MAPK7 (mitogen-activated protein kinase 7; plus strand), MED9 (mediator complex subunit 9; plus strand), MFAP4 (microfibril associated protein 4; minus strand), MIEF2 (mitochondrial elongation factor 2; plus strand) and 330 more. Cytogenetic location: 17p12-11.2.
Variant type: copy number gain.
Change: copy number 3 (three copies instead of two) of chr17:15,234,685-20,620,700 (5.39 Mb, GRCh38 coordinates, 1-based), cytogenetic band 17p12-11.2.
Identifiers: ClinVar variation 58104 (VCV000058104.1).